The following is an entry in ClinVar:

ClinVar aggregate classification (germline): Uncertain significance. Review status: criteria provided, multiple submitters, no conflicts (2 of 4 stars). 3 submissions from 3 submitters: Uncertain significance (3). Last evaluated 2025-10-24.

Conditions:
PGM1-congenital disorder of glycosylation. Also called: PHOSPHOGLUCOMUTASE 1 DEFICIENCY; CDG It; PGM1 DEFICIENCY; GLYCOGEN STORAGE DISEASE XIV; GSD XIV; Congenital disorder of glycosylation type 1t. Identifiers: Orphanet 319646, MedGen C2752015, MONDO:0013968, OMIM 614921.

Allele frequency attached by ClinVar (database versions not stated): gnomAD 0.00009; TOPMed 0.00009; ESP Exome Variant Server 0.00023; ExAC 0.00008; gnomAD exomes 0.00012 and 0.00009.
gnomAD v4.1: 143 of 1,612,996 alleles (0.0089%); highest among the groups gnomAD compares: Middle Eastern, 0.016%; 1 homozygote.

Submissions (3):

GeneDx
Classification: Uncertain significance. Last evaluated: 2025-10-24. Review status: criteria provided, single submitter. Criteria: GeneDx Variant Classification Process June 2021. Collection method: clinical testing. Allele origin: germline.
Comment: De novo variant in an individual with developmental disorder; however, a second variant was not reported, additional specific clinical information was not provided, and they were found to have de novo variants in other genes (PMID: 31785789); In silico analysis supports that this missense variant has a deleterious effect on protein structure/function; This variant is associated with the following publications: (PMID: 28135719, 33057194, 31785789, 35982159)

Labcorp Genetics (formerly Invitae), Labcorp
Classification: Uncertain significance for PGM1-congenital disorder of glycosylation. Last evaluated: 2024-10-15. Review status: criteria provided, single submitter. Criteria: Invitae Variant Classification Sherloc (09022015). Collection method: clinical testing. Allele origin: germline.
Comment: This sequence change replaces arginine, which is basic and polar, with cysteine, which is neutral and slightly polar, at codon 85 of the PGM1 protein (p.Arg85Cys). This variant is present in population databases (rs150286818, gnomAD 0.02%). This variant has not been reported in the literature in individuals affected with PGM1-related conditions. ClinVar contains an entry for this variant (Variation ID: 647299). Invitae Evidence Modeling of protein sequence and biophysical properties (such as structural, functional, and spatial information, amino acid conservation, physicochemical variation, residue mobility, and thermodynamic stability) indicates that this missense variant is not expected to disrupt PGM1 protein function with a negative predictive value of 80%. In summary, the available evidence is currently insufficient to determine the role of this variant in disease. Therefore, it has been classified as a Variant of Uncertain Significance.

Genetic Services Laboratory, University of Chicago
Classification: Uncertain significance. Last evaluated: 2018-04-27. Review status: criteria provided, single submitter. Criteria: ACMG Guidelines, 2015. Collection method: clinical testing. Allele origin: germline. Affected: no.

NM_002633.3(PGM1):c.253C>T (p.Arg85Cys)

Gene: PGM1 (phosphoglucomutase 1; plus strand). Cytogenetic location: 1p31.3.
Variant type: single nucleotide variant.
Coding change: c.253C>T on transcript NM_002633.3 (MANE Select); coding-DNA position 253, C replaced by T.
Protein change: p.Arg85Cys; replaces arginine 85 with cysteine.
Molecular consequence: missense variant. On other transcripts: 5 prime UTR variant (1).
Genome position (GRCh38, 1-based): chr1:63,629,431, C>T. VCF-style: chr1-63629431-C-T. GRCh37 (hg19) VCF-style: chr1-64095102-C-T.
Other names: c.307C>T, p.Arg103Cys (NM_001172818.1); c.-339C>T (NM_001172819.2); short protein forms R103C, R85C.
Identifiers: ClinVar variation 647299 (VCV000647299.14), dbSNP rs150286818, ClinGen allele CA889495.
Genomic context (GRCh38, chr1:63,629,431, plus strand): 5'-GGTGACTCTGGATGTATTGATGTTAAAGAGTGTGTTCTGGATTTCTTCTCCTAGATCGGT[C>T]GCTTGGTTATCGGACAGAATGGAATCCTCTCCACCCCTGCTGTATCCTGCATCATTAGAA-3'
Protein context (NP_002624.2, residues 75-95): ARIAAANGIG[Arg85Cys]LVIGQNGILS